The following is an entry in ClinVar:

NM_000147.5(FUCA1):c.910T>C (p.Trp304Arg)

Gene: FUCA1 (alpha-L-fucosidase 1; minus strand). Cytogenetic location: 1p36.11.
Variant type: single nucleotide variant.
Coding change: c.910T>C on transcript NM_000147.5 (MANE Select); coding-DNA position 910, T replaced by C.
Protein change: p.Trp304Arg; replaces tryptophan 304 with arginine.
Molecular consequence: missense variant.
Genome position (GRCh38, 1-based): chr1:23,854,419, A>G on the plus strand (T>C on the coding strand, the complement: FUCA1 is on the minus strand). VCF-style: chr1-23854419-A-G. GRCh37 (hg19) VCF-style: chr1-24180909-A-G.
Other names: short protein forms W304R.
Identifiers: ClinVar variation 1371627 (VCV001371627.4), dbSNP rs2148442806, ClinGen allele CA339038396.
Genomic context (GRCh38, chr1:23,854,419, plus strand): 5'-CCGAAATGATTTCAGATTCTTCTGTAACATCAGACAATGCCATGTCACGACGATAGCCCC[A>G]GGAAAACTTGTCAATGCTGGTGCACATCTCCCACTTGTGATCTGGCAAGCTCTGTGGCTT-3'
Protein context (NP_000138.2, residues 294-314): EMCTSIDKFS[Trp304Arg]GYRRDMALSD

ClinVar aggregate classification (germline): Uncertain significance (1 of 4 stars; one submission).

Conditions:
Fucosidosis. Also called: ALPHA-L-FUCOSIDASE DEFICIENCY. Identifiers: Orphanet 349, MedGen C0016788, MONDO:0009254, OMIM 230000.

Submission:

Labcorp Genetics (formerly Invitae), Labcorp
Classification: Uncertain significance for Fucosidosis. Last evaluated: 2021-12-02. Review status: criteria provided, single submitter. Criteria: Invitae Variant Classification Sherloc (09022015). Collection method: clinical testing. Allele origin: germline.
Comment: In summary, the available evidence is currently insufficient to determine the role of this variant in disease. Therefore, it has been classified as a Variant of Uncertain Significance. Algorithms developed to predict the effect of missense changes on protein structure and function are either unavailable or do not agree on the potential impact of this missense change (SIFT: "Deleterious"; PolyPhen-2: "Probably Damaging"; Align-GVGD: "Class C0"). This variant has not been reported in the literature in individuals affected with FUCA1-related conditions. This variant is not present in population databases (gnomAD no frequency). This sequence change replaces tryptophan, which is neutral and slightly polar, with arginine, which is basic and polar, at codon 304 of the FUCA1 protein (p.Trp304Arg).